The following is an entry in ClinVar:

ClinVar aggregate classification (germline): Uncertain significance (1 of 4 stars; one submission).

Allele frequency attached by ClinVar (database versions not stated): ExAC 0.00001; gnomAD exomes 0.00001.
gnomAD v4.1: 8 of 1,614,062 alleles (0.0005%); highest among the groups gnomAD compares: East Asian, 0.0022%; no homozygotes.

Submission:

Labcorp Genetics (formerly Invitae), Labcorp
Classification: Uncertain significance. Last evaluated: 2023-07-29. Review status: criteria provided, single submitter. Criteria: Invitae Variant Classification Sherloc (09022015). Collection method: clinical testing. Allele origin: germline.
Comment: In summary, the available evidence is currently insufficient to determine the role of this variant in disease. Therefore, it has been classified as a Variant of Uncertain Significance. Experimental studies and prediction algorithms are not available or were not evaluated, and the functional significance of this variant is currently unknown. This variant has not been reported in the literature in individuals affected with POLD2-related conditions. This variant is present in population databases (rs760202912, gnomAD 0.002%). This sequence change replaces tyrosine, which is neutral and polar, with cysteine, which is neutral and slightly polar, at codon 437 of the POLD2 protein (p.Tyr437Cys).

NM_006230.4(POLD2):c.1205A>G (p.Tyr402Cys)

Gene: POLD2 (DNA polymerase delta 2, accessory subunit; minus strand). Cytogenetic location: 7p13.
Variant type: single nucleotide variant.
Coding change: c.1205A>G on transcript NM_006230.4 (MANE Select); coding-DNA position 1205, A replaced by G.
Protein change: p.Tyr402Cys; replaces tyrosine 402 with cysteine.
Molecular consequence: missense variant.
Genome position (GRCh38, 1-based): chr7:44,115,339, T>C on the plus strand (A>G on the coding strand, the complement: POLD2 is on the minus strand). VCF-style: chr7-44115339-T-C. GRCh37 (hg19) VCF-style: chr7-44154938-T-C.
Other names: c.1205A>G, p.Tyr402Cys (NM_001127218.3, NM_001256879.2); short protein forms Y402C.
Identifiers: ClinVar variation 2788366 (VCV002788366.3), dbSNP rs760202912, ClinGen allele CA4238599.